The following is an entry in ClinVar:

ClinVar aggregate classification (germline): Likely pathogenic (1 of 4 stars; one submission).

Conditions:
Osteogenesis imperfecta type I (OI1). Also called: Lobstein disease; OI, TYPE I; OSTEOGENESIS IMPERFECTA TARDA; OSTEOGENESIS IMPERFECTA WITH BLUE SCLERAE; Osteogenesis imperfecta type 1; Lobstein's Disease. Identifiers: Orphanet 216796, Orphanet 666, MedGen C0023931, MONDO:0008146, OMIM 166200. Disease mechanism: loss of function.
Ehlers-Danlos syndrome, classic type, 1 (EDSCL1). Also called: EDS I; EHLERS-DANLOS SYNDROME, GRAVIS TYPE; EHLERS-DANLOS SYNDROME, SEVERE CLASSIC TYPE; Ehlers-Danlos syndrome, type 1; Ehlers-Danlos Syndrome, Classic Type, COL5A1-Related. Identifiers: MedGen C0268335, MONDO:0019567, OMIM 130000.

Submission:

Labcorp Genetics (formerly Invitae), Labcorp
Classification: Likely pathogenic for Osteogenesis imperfecta type I; Ehlers-Danlos syndrome, classic type, 1. Last evaluated: 2024-01-29. Review status: criteria provided, single submitter. Criteria: Invitae Variant Classification Sherloc (09022015). Collection method: clinical testing. Allele origin: germline.
Comment: This sequence change replaces glycine, which is neutral and non-polar, with serine, which is neutral and polar, at codon 469 of the COL1A2 protein (p.Gly469Ser). This variant is not present in population databases (gnomAD no frequency). This variant has not been reported in the literature in individuals affected with COL1A2-related conditions. Experimental studies and prediction algorithms are not available or were not evaluated, and the functional significance of this variant is currently unknown. This variant disrupts the triple helix domain of COL1A2. Glycine residues within the Gly-Xaa-Yaa repeats of the triple helix domain are required for the structure and stability of fibrillar collagens (PMID: 7695699, 8218237, 19344236). In COL1A2, variants affecting these glycine residues are significantly enriched in individuals with disease (PMID: 9016532, 17078022) compared to the general population (ExAC). In summary, the currently available evidence indicates that the variant is pathogenic, but additional data are needed to prove that conclusively. Therefore, this variant has been classified as Likely Pathogenic.

Literature cited by the submitters: PubMed 7695699; PubMed 8218237; PubMed 19344236; PubMed 9016532; PubMed 17078022.

NM_000089.4(COL1A2):c.1405G>A (p.Gly469Ser)

Gene: COL1A2 (collagen type I alpha 2 chain; plus strand). Cytogenetic location: 7q21.3.
Variant type: single nucleotide variant.
Coding change: c.1405G>A on transcript NM_000089.4 (MANE Select); coding-DNA position 1405, G replaced by A.
Protein change: p.Gly469Ser; replaces glycine 469 with serine.
Molecular consequence: missense variant.
Genome position (GRCh38, 1-based): chr7:94,412,584, G>A. VCF-style: chr7-94412584-G-A. GRCh37 (hg19) VCF-style: chr7-94041896-G-A.
Other names: short protein forms G469S.
Identifiers: ClinVar variation 2922709 (VCV002922709.3), dbSNP rs2484713570, ClinGen allele CA368221795.